The following is an entry in ClinVar:

NM_001378454.1(ALMS1):c.6121del (p.Gln2041fs)

Gene: ALMS1 (ALMS1 centrosome and basal body associated protein; plus strand). Cytogenetic location: 2p13.1.
Variant type: Deletion.
Coding change: c.6121del on transcript NM_001378454.1 (MANE Select); coding-DNA position 6121, one base deleted (C; older notation c.6121delC).
Protein change: p.Gln2041fs; shifts the reading frame from glutamine 2041.
Molecular consequence: frameshift variant.
Genome position (GRCh38, 1-based): chr2:73,452,648, C deleted; the last of 3 consecutive C bases (chr2:73,452,646-73,452,648); deleting any one gives the same sequence. VCF-style (leftmost placement, unchanged base first): chr2-73452645-TC-T. GRCh37 (hg19) VCF-style: chr2-73679772-TC-T.
Other names: c.6124del, p.Gln2042fs (NM_015120.4); short protein forms Q2041fs, Q2042fs.
Identifiers: ClinVar variation 1076075 (VCV001076075.7), dbSNP rs1671971721, ClinGen allele CA1260961185.

ClinVar aggregate classification (germline): Pathogenic (1 of 4 stars; one submission).

Conditions:
Alstrom syndrome (ALMS). Identifiers: Orphanet 64, MedGen C0268425, MONDO:0008763, OMIM 203800.

Submission:

Labcorp Genetics (formerly Invitae), Labcorp
Classification: Pathogenic for Alstrom syndrome. Last evaluated: 2022-03-12. Review status: criteria provided, single submitter. Criteria: Invitae Variant Classification Sherloc (09022015). Collection method: clinical testing. Allele origin: germline.
Comment: For these reasons, this variant has been classified as Pathogenic. ClinVar contains an entry for this variant (Variation ID: 1076075). This variant has not been reported in the literature in individuals affected with ALMS1-related conditions. This sequence change creates a premature translational stop signal (p.Gln2042Argfs*12) in the ALMS1 gene. It is expected to result in an absent or disrupted protein product. Loss-of-function variants in ALMS1 are known to be pathogenic (PMID: 17594715). This variant is not present in population databases (gnomAD no frequency).

Literature cited by the submitters: PubMed 17594715.